The following is an entry in ClinVar:

ClinVar aggregate classification (germline): Likely pathogenic (1 of 4 stars; one submission).

Conditions:
X-linked intellectual disability, Cantagrel type (XLID98). Also called: INTELLECTUAL DEVELOPMENTAL DISORDER, X-LINKED 98. Identifiers: Orphanet 85277, MedGen C3806730, MONDO:0010483, OMIM 300912.

Submission:

Women's Health and Genetics/Laboratory Corporation of America, LabCorp
Classification: Likely pathogenic for X-linked intellectual disability, Cantagrel type. Last evaluated: 2022-03-09. Review status: criteria provided, single submitter. Criteria: LabCorp Variant Classification Summary - May 2015. Collection method: clinical testing. Allele origin: germline.
Comment: Variant summary: NEXMIF c.3592A>T (p.Lys1198X) results in a premature termination codon, predicted to cause a truncation of the encoded protein or absence of the protein due to nonsense mediated decay, which are commonly known mechanisms for disease. Truncations downstream of this position have been observed at our laboratory and also reported in association with X-linked Intellectual Disability/Developmental and Epileptic Encephalopathy in the HGMD database. The variant was absent in 183259 control chromosomes. To our knowledge, no occurrence of c.3592A>T in individuals affected with Intellectual Developmental Disorder, X-Linked 98 and no experimental evidence demonstrating its impact on protein function have been reported. No clinical diagnostic laboratories have submitted clinical-significance assessments for this variant to ClinVar after 2014. Based on the evidence outlined above, the variant was classified as likely pathogenic.

NM_001008537.3(NEXMIF):c.3592A>T (p.Lys1198Ter)

Gene: NEXMIF (neurite extension and migration factor; minus strand). Cytogenetic location: Xq13.3.
Variant type: single nucleotide variant.
Coding change: c.3592A>T on transcript NM_001008537.3 (MANE Select); coding-DNA position 3592, A replaced by T.
Protein change: p.Lys1198Ter; replaces lysine 1198 with a stop codon.
Molecular consequence: nonsense.
Genome position (GRCh38, 1-based): chrX:74,740,965, T>A on the plus strand (A>T on the coding strand, the complement: NEXMIF is on the minus strand). VCF-style: chrX-74740965-T-A. GRCh37 (hg19) VCF-style: chrX-73960800-T-A.
Other names: short protein forms K1198*.
Identifiers: ClinVar variation 1677059 (VCV001677059.1), dbSNP rs2147439364, ClinGen allele CA413665307.
Genomic context (GRCh38, chrX:74,740,965, plus strand): 5'-GGCGGGAGTTTTTGCCAGGTGGTTTTTCAATCCCCTTGTTGTTACCTTTGAGGGATTTTT[T>A]CCTGGTGTTTTTCTGAGAAGAGCTTTGGTTCATAGCCCCACTCTTGCTGGGTGAACTTTT-3'